The following is an entry in ClinVar:

NM_006904.7(PRKDC):c.1609T>C (p.Ser537Pro)

Gene: PRKDC (protein kinase, DNA-activated, catalytic subunit; minus strand). Cytogenetic location: 8q11.21.
Variant type: single nucleotide variant.
Coding change: c.1609T>C on transcript NM_006904.7 (MANE Select); coding-DNA position 1609, T replaced by C.
Protein change: p.Ser537Pro; replaces serine 537 with proline.
Molecular consequence: missense variant.
Genome position (GRCh38, 1-based): chr8:47,933,979, A>G on the plus strand (T>C on the coding strand, the complement: PRKDC is on the minus strand). VCF-style: chr8-47933979-A-G. GRCh37 (hg19) VCF-style: chr8-48846539-A-G.
Other names: c.1609T>C, p.Ser537Pro (NM_001081640.2); short protein forms S537P.
Identifiers: ClinVar variation 1776352 (VCV001776352.2), dbSNP rs2090303142, ClinGen allele CA371165277.

ClinVar aggregate classification (germline): Uncertain significance (1 of 4 stars; one submission).

Submission:

Ambry Genetics
Classification: Uncertain significance. Last evaluated: 2021-10-31. Review status: criteria provided, single submitter. Criteria: Ambry Variant Classification Scheme 2023. Collection method: clinical testing. Allele origin: germline.
Comment: The p.S537P variant (also known as c.1609T>C), located in coding exon 15 of the PRKDC gene, results from a T to C substitution at nucleotide position 1609. The serine at codon 537 is replaced by proline, an amino acid with similar properties. This amino acid position is conserved. In addition, this alteration is predicted to be tolerated by in silico analysis. Since supporting evidence is limited at this time, the clinical significance of this alteration remains unclear.